The following is an entry in ClinVar:

ClinVar aggregate classification (germline): Pathogenic. Review status: criteria provided, multiple submitters, no conflicts (2 of 4 stars). 2 submissions from 2 submitters: Pathogenic (2). Last evaluated 2022-05-27.

Conditions:
Hereditary breast ovarian cancer syndrome. Also called: BRCA1- and BRCA2-Associated Hereditary Breast and Ovarian Cancer; Hereditary breast and ovarian cancer; Hereditary breast and ovarian cancer syndrome; Hereditary breast and/or ovarian cancer syndrome; Hereditary breast and ovarian cancer syndrome (HBOC); Breast and ovarian cancer. Identifiers: Orphanet 145, MedGen C0677776, MeSH D061325, MONDO:0003582. Disease mechanism: loss of function.

Submissions (2):

Clinical Genetics Laboratory, Skane University Hospital Lund
Classification: Pathogenic. Last evaluated: 2022-05-27. Review status: criteria provided, single submitter. Criteria: ACMG Guidelines, 2015. Collection method: clinical testing. Allele origin: germline. Affected: yes.

Labcorp Genetics (formerly Invitae), Labcorp
Classification: Pathogenic for Hereditary breast ovarian cancer syndrome. Last evaluated: 2021-05-19. Review status: criteria provided, single submitter. Criteria: Invitae Variant Classification Sherloc (09022015). Collection method: clinical testing. Allele origin: germline.
Comment: This variant is not present in population databases (ExAC no frequency). This sequence change creates a premature translational stop signal (p.Lys2594Argfs*54) in the BRCA2 gene. It is expected to result in an absent or disrupted protein product. Loss-of-function variants in BRCA2 are known to be pathogenic (PMID: 20104584). This variant has not been reported in the literature in individuals with BRCA2-related conditions. For these reasons, this variant has been classified as Pathogenic.

Literature cited by the submitters: PubMed 20104584 (cited by Labcorp Genetics (formerly Invitae), Labcorp).

NM_000059.4(BRCA2):c.7781del (p.Lys2594fs)

Gene: BRCA2 (BRCA2 DNA repair associated; plus strand). Cytogenetic location: 13q13.1.
Variant type: Deletion.
Coding change: c.7781del on transcript NM_000059.4 (MANE Select); coding-DNA position 7781, one base deleted (A; older notation c.7781delA).
Protein change: p.Lys2594fs; shifts the reading frame from lysine 2594.
Molecular consequence: frameshift variant.
Genome position (GRCh38, 1-based): chr13:32,357,905, A deleted; the last of 3 consecutive A bases (chr13:32,357,903-32,357,905); deleting any one gives the same sequence. VCF-style (leftmost placement, unchanged base first): chr13-32357902-GA-G. GRCh37 (hg19) VCF-style: chr13-32932039-GA-G.
Other names: c.7781del (NM_000059.3); short protein forms K2594fs.
Identifiers: ClinVar variation 1369808 (VCV001369808.7), dbSNP rs886040729, ClinGen allele CA2573149412.